The following is an entry in ClinVar:

ClinVar aggregate classification (germline): Uncertain significance. Review status: criteria provided, multiple submitters, no conflicts (2 of 4 stars). 4 submissions from 4 submitters: Uncertain significance (4). Last evaluated 2026-02-18.

Conditions:
Choanal atresia-athelia-hypothyroidism-delayed puberty-short stature syndrome (BCAHH). Also called: BRANCHIAL ARCH ABNORMALITIES, CHOANAL ATRESIA, ATHELIA, HEARING LOSS, AND HYPOTHYROIDISM SYNDROME. Identifiers: Orphanet 589856, MedGen C5680310, MONDO:0035651, OMIM 620186.
Kabuki syndrome 1 (KABUK1). Also called: KMT2D-Related Kabuki Syndrome. Identifiers: Orphanet 2322, MedGen CN030661, MONDO:0007843, OMIM 147920.
KMT2D-related disorder. Also called: KMT2D-Related Disorders.
Kabuki syndrome. Also called: Kabuki make-up syndrome; NIIKAWA-KUROKI SYNDROME. Identifiers: Orphanet 2322, MedGen C0796004, MONDO:0016512.

Allele frequency attached by ClinVar (database versions not stated): TOPMed 0.00001.
gnomAD v4.1: 1 of 1,613,798 alleles (0.000062%); no homozygotes.

Submissions (4):

PreventionGenetics, part of Exact Sciences
Classification: Uncertain significance for KMT2D-related condition. Last evaluated: 2026-02-18. Review status: criteria provided, single submitter. Criteria: ACMG Guidelines, 2015. Collection method: clinical testing. Allele origin: germline.
Comment: The KMT2D c.14905G>A variant is predicted to result in the amino acid substitution p.Glu4969Lys. To our knowledge, this variant has not been reported in the literature or in a large population database (gnomAD), indicating this variant is rare. At this time, the clinical significance of this variant is uncertain due to the absence of conclusive functional and genetic evidence.

Fulgent Genetics
Classification: Uncertain significance for Kabuki syndrome 1; Choanal atresia-athelia-hypothyroidism-delayed puberty-short stature syndrome. Last evaluated: 2024-04-29. Review status: criteria provided, single submitter. Criteria: ACMG Guidelines, 2015. Collection method: clinical testing. Allele origin: germline.

Labcorp Genetics (formerly Invitae), Labcorp
Classification: Uncertain significance for Kabuki syndrome. Last evaluated: 2022-11-28. Review status: criteria provided, single submitter. Criteria: Invitae Variant Classification Sherloc (09022015). Collection method: clinical testing. Allele origin: germline.
Comment: This variant has not been reported in the literature in individuals affected with KMT2D-related conditions. ClinVar contains an entry for this variant (Variation ID: 1030671). Advanced modeling of protein sequence and biophysical properties (such as structural, functional, and spatial information, amino acid conservation, physicochemical variation, residue mobility, and thermodynamic stability) performed at Invitae indicates that this missense variant is not expected to disrupt KMT2D protein function. In summary, the available evidence is currently insufficient to determine the role of this variant in disease. Therefore, it has been classified as a Variant of Uncertain Significance. This variant is not present in population databases (gnomAD no frequency). This sequence change replaces glutamic acid, which is acidic and polar, with lysine, which is basic and polar, at codon 4969 of the KMT2D protein (p.Glu4969Lys).

Baylor Genetics
Classification: Uncertain significance for Kabuki syndrome 1. Last evaluated: 2019-06-27. Review status: criteria provided, single submitter. Criteria: ACMG Guidelines, 2015. Collection method: clinical testing. Allele origin: unknown. Affected: yes.
Comment: This variant was determined to be of uncertain significance according to ACMG Guidelines, 2015 [PMID:25741868].

NM_003482.4(KMT2D):c.14905G>A (p.Glu4969Lys)

Gene: KMT2D (lysine methyltransferase 2D; minus strand). Cytogenetic location: 12q13.12.
Variant type: single nucleotide variant.
Coding change: c.14905G>A on transcript NM_003482.4 (MANE Select); coding-DNA position 14905, G replaced by A.
Protein change: p.Glu4969Lys; replaces glutamic acid 4969 with lysine.
Molecular consequence: missense variant.
Genome position (GRCh38, 1-based): chr12:49,027,061, C>T on the plus strand (G>A on the coding strand, the complement: KMT2D is on the minus strand). VCF-style: chr12-49027061-C-T. GRCh37 (hg19) VCF-style: chr12-49420844-C-T.
Other names: short protein forms E4969K.
Identifiers: ClinVar variation 1030671 (VCV001030671.7), dbSNP rs1363299847, ClinGen allele CA384691305.